The following is an entry in ClinVar:

NM_012470.4(TNPO3):c.11C>A (p.Ala4Glu)

Genes: TNPO3 (transportin 3; minus strand), LOC129999289 (ATAC-STARR-seq lymphoblastoid active region 26616; plus strand). Cytogenetic location: 7q32.1.
Variant type: single nucleotide variant.
Coding change: c.11C>A on transcript NM_012470.4 (MANE Select); coding-DNA position 11, C replaced by A.
Protein change: p.Ala4Glu; replaces alanine 4 with glutamic acid.
Molecular consequence: missense variant. On other transcripts: non-coding transcript variant (18).
Genome position (GRCh38, 1-based): chr7:129,054,760, G>T on the plus strand (C>A on the coding strand, the complement: TNPO3 is on the minus strand). VCF-style: chr7-129054760-G-T. GRCh37 (hg19) VCF-style: chr7-128694814-G-T.
Other names: p.Ala4Glu; c.11C>A (NM_012470.3); c.11C>A, p.Ala4Glu (NM_001191028.3, NM_001382216.1, NM_001382217.1 and 6 more transcripts); short protein forms A4E.
Identifiers: ClinVar variation 1358738 (VCV001358738.7), dbSNP rs1563116600, ClinGen allele CA369230023.

ClinVar aggregate classification (germline): Uncertain significance. Review status: criteria provided, multiple submitters, no conflicts (2 of 4 stars). 2 submissions from 2 submitters: Uncertain significance (2). Last evaluated 2025-07-28.

Conditions:
Autosomal dominant limb-girdle muscular dystrophy type 1F (LGMDD2). Also called: Limb-girdle muscular dystrophy, type 1F; MUSCULAR DYSTROPHY, LIMB-GIRDLE, AUTOSOMAL DOMINANT 2. Identifiers: Orphanet 55595, MedGen C1842062, MONDO:0012034, OMIM 608423.

Allele frequency attached by ClinVar (database versions not stated): gnomAD exomes below 0.00001; gnomAD 0.00001.
gnomAD v4.1: 6 of 1,614,030 alleles (0.00037%); highest among the groups gnomAD compares: East Asian, 0.0045%; no homozygotes.

Submissions (2):

Labcorp Genetics (formerly Invitae), Labcorp
Classification: Uncertain significance for Autosomal dominant limb-girdle muscular dystrophy type 1F. Last evaluated: 2025-07-28. Review status: criteria provided, single submitter. Criteria: Invitae Variant Classification Sherloc (09022015). Collection method: clinical testing. Allele origin: germline.
Comment: This sequence change replaces alanine, which is neutral and non-polar, with glutamic acid, which is acidic and polar, at codon 4 of the TNPO3 protein (p.Ala4Glu). This variant is not present in population databases (gnomAD no frequency). This variant has not been reported in the literature in individuals affected with TNPO3-related conditions. ClinVar contains an entry for this variant (Variation ID: 1358738). An algorithm developed to predict the effect of missense changes on protein structure and function (PolyPhen-2) suggests that this variant is likely to be tolerated. In summary, the available evidence is currently insufficient to determine the role of this variant in disease. Therefore, it has been classified as a Variant of Uncertain Significance.

Mayo Clinic Laboratories, Mayo Clinic
Classification: Uncertain significance. Last evaluated: 2022-03-25. Review status: criteria provided, single submitter. Criteria: ACMG Guidelines, 2015. Collection method: clinical testing. Allele origin: germline. Observed: 1 variant allele.
Comment: BP4